The following is an entry in ClinVar:

NM_001267550.2(TTN):c.43281T>C (p.Phe14427=)

Gene: TTN (titin; minus strand). Cytogenetic location: 2q31.2.
Variant type: single nucleotide variant.
Coding change: c.43281T>C on transcript NM_001267550.2 (MANE Select); coding-DNA position 43281, T replaced by C.
Protein change: p.Phe14427=; no amino-acid change (phenylalanine 14427 retained).
Molecular consequence: synonymous variant.
Genome position (GRCh38, 1-based): chr2:178,632,725, A>G on the plus strand (T>C on the coding strand, the complement: TTN is on the minus strand). VCF-style: chr2-178632725-A-G. GRCh37 (hg19) VCF-style: chr2-179497452-A-G.
Other names: c.38358T>C, p.Phe12786= (NM_001256850.1); c.16086T>C, p.Phe5362= (NM_003319.4); c.35577T>C, p.Phe11859= (NM_133378.4); c.16461T>C, p.Phe5487= (NM_133432.3); c.16662T>C, p.Phe5554= (NM_133437.4).
Identifiers: ClinVar variation 264389 (VCV000264389.12), dbSNP rs368161055, ClinGen allele CA1995901.

ClinVar aggregate classification (germline): Likely benign. Review status: criteria provided, multiple submitters, no conflicts (2 of 4 stars). 4 submissions from 4 submitters: Likely benign (3). 1 of the submissions does not count toward it. Last evaluated 2025-09-20.

Conditions:
TTN-related disorder. Also called: TTN-related condition; TTN-related disease; TTN-related disorders.
Cardiovascular phenotype. Identifiers: MedGen CN230736.
Autosomal recessive limb-girdle muscular dystrophy type 2J (LGMDR10). Also called: Limb-girdle muscular dystrophy, type 2J; MUSCULAR DYSTROPHY, LIMB-GIRDLE, AUTOSOMAL RECESSIVE 10. Identifiers: Orphanet 140922, MedGen C1837342, MONDO:0012127, OMIM 608807.
Dilated cardiomyopathy 1G (CMD1G). Identifiers: Orphanet 154, MedGen C1858763, MONDO:0011400, OMIM 604145.

Allele frequency attached by ClinVar (database versions not stated): gnomAD exomes 0.00001; TOPMed 0.00001; ExAC 0.00002; ESP Exome Variant Server 0.00008.
gnomAD v4.1: 10 of 1,613,386 alleles (0.00062%); highest among the groups gnomAD compares: Middle Eastern, 0.017%; no homozygotes.

Submissions (4):

Labcorp Genetics (formerly Invitae), Labcorp
Classification: Likely benign for Dilated cardiomyopathy 1G; Autosomal recessive limb-girdle muscular dystrophy type 2J. Last evaluated: 2025-09-20. Review status: criteria provided, single submitter. Criteria: Invitae Variant Classification Sherloc (09022015). Collection method: clinical testing. Allele origin: germline.

Blueprint Genetics
Classification: Likely benign. Last evaluated: 2021-06-10. Review status: criteria provided, single submitter. Criteria: ACMG Guidelines, 2015. Collection method: clinical testing. Allele origin: germline.

Ambry Genetics
Classification: Likely benign for Cardiovascular phenotype. Last evaluated: 2015-11-03. Review status: criteria provided, single submitter. Criteria: Ambry Variant Classification Scheme 2023. Collection method: clinical testing. Allele origin: germline.

PreventionGenetics, part of Exact Sciences
Classification: Likely benign for TTN-related condition. Last evaluated: 2024-05-17. Review status: no assertion criteria provided. Collection method: clinical testing. Allele origin: germline. Not counted in ClinVar's aggregate classification.
Comment: This variant is classified as likely benign based on ACMG/AMP sequence variant interpretation guidelines (Richards et al. 2015 PMID: 25741868, with internal and published modifications).